The following is an entry in ClinVar:

ClinVar aggregate classification (germline): Likely benign. Review status: criteria provided, multiple submitters, no conflicts (2 of 4 stars). 2 submissions from 2 submitters: Likely benign (2). Last evaluated 2024-02-01.

gnomAD v4.1: 23 of 1,565,386 alleles (0.0015%); highest among the groups gnomAD compares: Non-Finnish European, 0.0019%; no homozygotes.

Submissions (2):

CeGaT Center for Human Genetics Tuebingen
Classification: Likely benign. Last evaluated: 2024-02-01. Review status: criteria provided, single submitter. Criteria: CeGaT Center For Human Genetics Tuebingen Variant Classification Criteria Version 2. Collection method: clinical testing. Allele origin: germline. Affected: yes. Observed: 1 variant allele.
Comment: CYFIP2: BP4

Labcorp Genetics (formerly Invitae), Labcorp
Classification: Likely benign. Last evaluated: 2023-09-10. Review status: criteria provided, single submitter. Criteria: Invitae Variant Classification Sherloc (09022015). Collection method: clinical testing. Allele origin: germline.

NM_001037333.3(CYFIP2):c.666+8C>A

Gene: CYFIP2 (cytoplasmic FMR1 interacting protein 2; plus strand). Cytogenetic location: 5q33.3.
Variant type: single nucleotide variant.
Coding change: c.666+8C>A on transcript NM_001037333.3 (MANE Select); 8 bases into the intron after coding-DNA position 666, C replaced by A.
Molecular consequence: intron variant.
Genome position (GRCh38, 1-based): chr5:157,302,898, C>A. VCF-style: chr5-157302898-C-A. GRCh37 (hg19) VCF-style: chr5-156729906-C-A.
Other names: c.666+8C>A (NM_001291722.2, NM_014376.4); c.588+8C>A (NM_001291721.2).
Identifiers: ClinVar variation 1576207 (VCV001576207.30), dbSNP rs370131961, ClinGen allele CA130161360.
Genomic context (GRCh38, chr5:157,302,898, plus strand): 5'-AGGAGTCGCAGAACCTTTCCATGTTCCTGGCCAACCACAACAGGATCACCCAGGTGAGGG[C>A]AGACTCCTTGTTAGGCCTGGCCTGATGTCTCGGGGTTATAGGCAGGCGTGTAGAGGTTGG-3'